The following is an entry in ClinVar:

ClinVar aggregate classification (germline): Benign (1 of 4 stars; one submission).

Allele frequency attached by ClinVar (database versions not stated): ESP Exome Variant Server 0.00015; ExAC 0.00201; 1000 Genomes Project 30x 0.00328; 1000 Genomes Project 0.00379.
gnomAD v4.1: 1,277 of 1,614,092 alleles (0.079%); highest among the groups gnomAD compares: South Asian, 1.2%; 21 homozygotes.

Submission:

CeGaT Center for Human Genetics Tuebingen
Classification: Benign. Last evaluated: 2022-06-01. Review status: criteria provided, single submitter. Criteria: CeGaT Center For Human Genetics Tuebingen Variant Classification Criteria Version 2. Collection method: clinical testing. Allele origin: germline. Affected: yes. Observed: 1 variant allele.
Comment: CLCNKA: BS1, BS2

NM_004070.4(CLCNKA):c.223G>T (p.Val75Phe)

Gene: CLCNKA (chloride voltage-gated channel Ka; plus strand). Cytogenetic location: 1p36.13.
Variant type: single nucleotide variant.
Coding change: c.223G>T on transcript NM_004070.4 (MANE Select); coding-DNA position 223, G replaced by T.
Protein change: p.Val75Phe; replaces valine 75 with phenylalanine.
Molecular consequence: missense variant.
Genome position (GRCh38, 1-based): chr1:16,023,922, G>T. VCF-style: chr1-16023922-G-T. GRCh37 (hg19) VCF-style: chr1-16350417-G-T.
Other names: c.223G>T, p.Val75Phe (NM_001042704.2, NM_001257139.2); short protein forms V75F.
Identifiers: ClinVar variation 2638352 (VCV002638352.24), dbSNP rs200509489, ClinGen allele CA622131.
Genomic context (GRCh38, chr1:16,023,922, plus strand): 5'-ACCCTCGGGGTGCTCATGGCCCTGGTCAGCTATGCCATGAACTTTGCCATCGGGTGTGTG[G>T]TCCGAGGTAACTCTTCCCTGGCAGGTGCTGCTCTGGGCCAAGGGATTCTAGGCACGCTCT-3'
Protein context (NP_004061.3, residues 65-85): YAMNFAIGCV[Val75Phe]RAHQWLYREI